The following is an entry in ClinVar:

ClinVar aggregate classification (germline): Pathogenic (1 of 4 stars; one submission).

Conditions:
Polycystic kidney disease, adult type (PKD1). Also called: Polycystic Kidney Disease 1, Autosomal Dominant; Polycystic kidney disease 1; Polycystic kidney disease 1, severe; Polycystic Kidney, Autosomal Dominant; POLYCYSTIC KIDNEY DISEASE 1 WITH OR WITHOUT POLYCYSTIC LIVER DISEASE; POLYCYSTIC KIDNEY DISEASE, ADULT, TYPE I. Identifiers: MedGen C3149841, MONDO:0008263, OMIM 173900.

Submission:

Women's Health and Genetics/Laboratory Corporation of America, LabCorp
Classification: Pathogenic for Polycystic kidney disease, adult type. Last evaluated: 2024-11-11. Review status: criteria provided, single submitter. Criteria: LabCorp Variant Classification Summary - May 2015. Collection method: clinical testing. Allele origin: germline.
Comment: Variant summary: The variant involves the deletion of exon 1 in the PKD1 gene. A presumed nomenclature of c.(?_-210)_(215+1_216-1)del has been designated for the purposes of this classification. The exact breakpoint at the 5' end of this variant is unknown, therefore this deletion may extend upstream of the annotated region of this gene. Although the exact breakpoints of this deletion are not known, it is predicted to remove the initiation codon and result in an absence of protein or a truncation of the encoded protein due to translation initiation at a downstream site. The frequency data for this variant in gnomAD is considered unreliable, as metrics indicate poor data quality at this position. A similar deletion has been reported in the literature in individuals affected with Polycystic Kidney Disease 1 (example, Audrezet_2012). These data indicate that the variant is likely to be associated with disease. To our knowledge, no experimental evidence demonstrating an impact on protein function has been reported. ClinVar contains an entry for a similar deletion (Variation ID: 976806). Based on the evidence outlined above, the variant was classified as pathogenic.

Literature cited by the submitters: PubMed 22508176.

NC_000016.9:g.(2169380_2185475)_(2185900_?)del

Gene: PKD1 (polycystin 1, transient receptor potential channel interacting; minus strand). Cytogenetic location: 16p13.3.
Variant type: Deletion.
Identifiers: ClinVar variation 3629734 (VCV003629734.1).